The following is an entry in ClinVar:

ClinVar aggregate classification (germline): Likely pathogenic (1 of 4 stars; one submission).

Submission:

ARUP Laboratories, Molecular Genetics and Genomics, ARUP Laboratories
Classification: Likely pathogenic. Last evaluated: 2025-03-13. Review status: criteria provided, single submitter. Criteria: ARUP Molecular Germline Variant Investigation Process 2024. Collection method: clinical testing. Allele origin: germline.
Comment: The HNF4A c.232_238dup; p.Cys80SerfsTer34 variant, to our knowledge, is not reported in the medical literature or gene specific databases. This variant is also absent from the Genome Aggregation Database (v2.1.1), indicating it is not a common polymorphism. This variant causes a frameshift by duplicating seven nucleotides, so it is predicted to result in a truncated protein or mRNA subject to nonsense-mediated decay. Based on available information, this variant is considered to be likely pathogenic.

NM_175914.5(HNF4A):c.232_238dup (p.Cys80fs)

Gene: HNF4A (hepatocyte nuclear factor 4 alpha; plus strand). Cytogenetic location: 20q13.12.
Variant type: Duplication.
Coding change: c.232_238dup on transcript NM_175914.5 (MANE Select); coding-DNA positions 232 to 238, 7 bases duplicated (CGGCAGT; older notation c.232_238dupCGGCAGT).
Protein change: p.Cys80fs; shifts the reading frame from cysteine 80.
Molecular consequence: frameshift variant.
Genome position (GRCh38, 1-based): chr20:44,407,388-44,407,394, CGGCAGT duplicated. VCF-style (leftmost placement, unchanged base first): chr20-44407387-C-CCGGCAGT. GRCh37 (hg19) VCF-style: chr20-43036027-C-CCGGCAGT.
Other names: c.223_229dup, p.Cys77fs (NM_001287184.2, NM_001287182.2, NM_001287183.2); c.298_304dup, p.Cys102fs (NM_178849.3, NM_178850.3, NM_000457.6); c.232_238dup, p.Cys80fs (NM_001030003.3, NM_001030004.3); c.277_283dup, p.Cys95fs (NM_001258355.2); short protein forms C102fs, C77fs, C80fs, C95fs.
Identifiers: ClinVar variation 4685682 (VCV004685682.1).
Genomic context (GRCh38, chr20:44,407,387, plus strand): 5'-CCTAAGAGGAGGAAGTTGTGTCTTCTCCATCCAACCATCCAAAGCCCTCCCCAGATTTAG[C>CCGGCAGT]CGGCAGTGCGTGGTGGACAAAGACAAGAGGAACCAGTGCCGCTACTGCAGGCTCAAGAAA-3'